The following is an entry in ClinVar:

ClinVar aggregate classification (germline): Benign/Likely benign. Review status: criteria provided, multiple submitters, no conflicts (2 of 4 stars). 7 submissions from 7 submitters: Benign (6); Likely benign (1). Last evaluated 2026-01-18.

Conditions:
Tuberous sclerosis syndrome (TSC). Also called: Tuberous Sclerosis Complex; Tuberous sclerosis. Identifiers: Orphanet 805, MedGen C0041341, MONDO:0001734.
Tuberous sclerosis 2 (TSC2). Identifiers: Orphanet 805, MedGen C1860707, MONDO:0013199, OMIM 613254.

Allele frequency attached by ClinVar (database versions not stated): gnomAD 0.00001; gnomAD exomes 0.00002 and 0.00009; TOPMed 0.00002; ExAC 0.00006.
gnomAD v4.1: 36 of 1,605,006 alleles (0.0022%); highest among the groups gnomAD compares: East Asian, 0.054%; no homozygotes.

Submissions (7):

Labcorp Genetics (formerly Invitae), Labcorp
Classification: Benign for Tuberous sclerosis 2. Last evaluated: 2026-01-18. Review status: criteria provided, single submitter. Criteria: Invitae Variant Classification Sherloc (09022015). Collection method: clinical testing. Allele origin: germline.

All of Us Research Program, National Institutes of Health
Classification: Benign for Tuberous sclerosis syndrome. Last evaluated: 2024-09-23. Review status: criteria provided, single submitter. Criteria: ACMG Guidelines, 2015. Collection method: clinical testing. Allele origin: germline. Inheritance: Autosomal dominant inheritance. Observed: 5 variant alleles, 5 heterozygotes.
Comment: This study involves interpretation of variants in research participants for the purpose of population health screening. Participant phenotype was not available at the time of variant classification. Additional details can be found in publication PMID: 35346344, PMCID: PMC8962531

Myriad Genetics, Inc.
Classification: Benign for Tuberous sclerosis 2. Last evaluated: 2024-09-09. Review status: criteria provided, single submitter. Criteria: Myriad Autosomal Dominant, Autosomal Recessive and X-Linked Classification Criteria (2023). Collection method: clinical testing. Allele origin: unknown.
Comment: This variant is considered benign. This variant is intronic and is not expected to impact mRNA splicing. This variant has been observed at a population frequency that is significantly greater than expected given the associated disease prevalence and penetrance.

Blueprint Genetics
Classification: Likely benign. Last evaluated: 2024-02-14. Review status: criteria provided, single submitter. Criteria: ACMG Guidelines, 2015. Collection method: clinical testing. Allele origin: germline.

Color Diagnostics, LLC DBA Color Health
Classification: Benign for Tuberous sclerosis syndrome. Last evaluated: 2022-11-22. Review status: criteria provided, single submitter. Criteria: ACMG Guidelines, 2015. Collection method: clinical testing. Allele origin: germline.

Genome-Nilou Lab
Classification: Benign for Tuberous sclerosis 2. Last evaluated: 2021-11-07. Review status: criteria provided, single submitter. Criteria: ACMG Guidelines, 2015. Collection method: clinical testing. Allele origin: germline. Affected: no.

Athena Diagnostics
Classification: Benign. Last evaluated: 2017-09-21. Review status: criteria provided, single submitter. Criteria: Athena Diagnostics Criteria. Collection method: clinical testing. Allele origin: germline.

NM_000548.5(TSC2):c.1947-9C>T

Gene: TSC2 (TSC complex subunit 2; plus strand). Cytogenetic location: 16p13.3.
Variant type: single nucleotide variant.
Coding change: c.1947-9C>T on transcript NM_000548.5 (MANE Select); 9 bases into the intron before coding-DNA position 1947, C replaced by T.
Molecular consequence: intron variant.
Genome position (GRCh38, 1-based): chr16:2,071,775, C>T. VCF-style: chr16-2071775-C-T. GRCh37 (hg19) VCF-style: chr16-2121776-C-T.
Other names: c.1947-9C>T (NM_001114382.3, NM_021055.3, NM_001370405.1 and 3 more transcripts); c.1836-9C>T (NM_001318827.2); c.1347-9C>T (NM_001318831.2); c.1800-9C>T (NM_001318829.2); c.1980-9C>T (NM_001318832.2).
Identifiers: ClinVar variation 413655 (VCV000413655.19), dbSNP rs747475590, ClinGen allele CA035225.